The following is an entry in ClinVar:

ClinVar aggregate classification (germline): Likely pathogenic (1 of 4 stars; one submission).

Submission:

Quest Diagnostics Nichols Institute San Juan Capistrano
Classification: Likely pathogenic. Last evaluated: 2021-07-22. Review status: criteria provided, single submitter. Criteria: ACMG/ClinGen CNV Guidelines, 2019. Collection method: clinical testing. Allele origin: unknown.
Comment: The copy number loss of 22q11.21 involves multiple coding genes, including CRKL (OMIM 602007), and overlaps the 22q11.2 central deletion (LCR C-D) syndrome. Evidence is emerging that deletion of this region is associated with a variable clinical phenotype that may include: dysmorphic facial features, growth delay, CNS anomalies/seizures, developmental delay (including language delay), intellectual disability, psychiatric/behavioral problems, skeletal anomalies, genitourinary anomalies, and immune deficiency/recurrent infections. Parental testing has shown 21/35 (60%) deletions represent de novo events (Burnside RD, Cytogenet Genome Res. 2015;146(2):89-99. PMID: 26278718; Rump et al., Am J Med Genet A. 2014 Nov;164A(11):2707-23. PMID: 25123976). Congenital heart defects (14%) have also been reported but appear to be less common than in individuals with proximal deletions. The majority of these deletions are inherited, sometimes from a parent with a similar phenotype, and sometimes from an unaffected parent, suggesting incomplete penetrance and variable expressivity. While there are multiple copy number losses which cover the majority of this region in the general populations of the Database of Genomic Variants, a single study demonstrates enrichment of the LCR C-D deletion in patients with congenital kidney and urinary tract anomalies compared to controls (Lopez-Rivera et al., N Engl J Med. 2017 Feb23;376(8):742-754. PMID: 28121514). Thus, based on literature review and gene content, this copy number loss is interpreted as likely pathogenic.

GRCh37/hg19 22q11.21(chr22:20725309-21804563)x1

Genes: AIFM3 (AIF family member 3; plus strand), CRKL (CRK like proto-oncogene, adaptor protein; plus strand), GGT2 (gamma-glutamyltransferase 2; minus strand), HIC2 (HIC ZBTB transcriptional repressor 2; plus strand), KLHL22 (kelch like family member 22; minus strand) and 12 more. Cytogenetic location: 22q11.21.
Variant type: copy number loss.
Change: copy number 1 (one copy instead of two) of chr22:20,725,309-21,804,563 (1.08 Mb, GRCh37 coordinates, 1-based), cytogenetic band 22q11.21.
Identifiers: ClinVar variation 1807721 (VCV001807721.1).